The following is an entry in ClinVar:

NM_006744.4(RBP4):c.528G>T (p.Glu176Asp)

Gene: RBP4 (retinol binding protein 4; minus strand). Cytogenetic location: 10q23.33.
Variant type: single nucleotide variant.
Coding change: c.528G>T on transcript NM_006744.4 (MANE Select); coding-DNA position 528, G replaced by T.
Protein change: p.Glu176Asp; replaces glutamic acid 176 with aspartic acid.
Molecular consequence: missense variant.
Genome position (GRCh38, 1-based): chr10:93,593,863, C>A on the plus strand (G>T on the coding strand, the complement: RBP4 is on the minus strand). VCF-style: chr10-93593863-C-A. GRCh37 (hg19) VCF-style: chr10-95353620-C-A.
Other names: c.528G>T, p.Glu176Asp (NM_001323517.1); c.522G>T, p.Glu174Asp (NM_001323518.2); short protein forms E176D, E174D.
Identifiers: ClinVar variation 943659 (VCV000943659.10), dbSNP rs150540008, ClinGen allele CA5609522.

ClinVar aggregate classification (germline): Conflicting classifications of pathogenicity. Review status: criteria provided, conflicting classifications (1 of 4 stars). 3 submissions from 3 submitters: Uncertain significance (2); Likely benign (1). Last evaluated 2026-01-11.

Conditions:
Inborn genetic diseases. Identifiers: MedGen C0950123, MeSH D030342.

Allele frequency attached by ClinVar (database versions not stated): gnomAD 0.00017 and 0.00019; ESP Exome Variant Server 0.00023; ExAC 0.00026; TOPMed 0.00028; gnomAD exomes 0.00029 and 0.00040.
gnomAD v4.1: 601 of 1,612,592 alleles (0.037%); highest among the groups gnomAD compares: Admixed American, 0.062%; 2 homozygotes.

Submissions (3):

Labcorp Genetics (formerly Invitae), Labcorp
Classification: Uncertain significance. Last evaluated: 2026-01-11. Review status: criteria provided, single submitter. Criteria: Invitae Variant Classification Sherloc (09022015). Collection method: clinical testing. Allele origin: germline.
Comment: This sequence change replaces glutamic acid, which is acidic and polar, with aspartic acid, which is acidic and polar, at codon 176 of the RBP4 protein (p.Glu176Asp). This variant is present in population databases (rs150540008, gnomAD 0.05%). This variant has not been reported in the literature in individuals affected with RBP4-related conditions. ClinVar contains an entry for this variant (Variation ID: 943659). An algorithm developed to predict the effect of missense changes on protein structure and function (PolyPhen-2) suggests that this variant is likely to be tolerated. In summary, the available evidence is currently insufficient to determine the role of this variant in disease. Therefore, it has been classified as a Variant of Uncertain Significance.

Ambry Genetics
Classification: Uncertain significance for Inborn genetic diseases. Last evaluated: 2025-06-24. Review status: criteria provided, single submitter. Criteria: Ambry Variant Classification Scheme 2023. Collection method: clinical testing. Allele origin: germline.

Blueprint Genetics
Classification: Likely benign. Last evaluated: 2024-10-15. Review status: criteria provided, single submitter. Criteria: ACMG Guidelines, 2015. Collection method: clinical testing. Allele origin: germline.